The following is an entry in ClinVar:

ClinVar aggregate classification (germline): Uncertain significance (1 of 4 stars; one submission).

gnomAD v4.1: 2 of 1,614,006 alleles (0.00012%); highest among the groups gnomAD compares: African/African-American, 0.0013%; no homozygotes.

Submission:

Ambry Genetics
Classification: Uncertain significance. Last evaluated: 2025-11-26. Review status: criteria provided, single submitter. Criteria: Ambry Variant Classification Scheme 2023. Collection method: clinical testing. Allele origin: germline.
Comment: The p.S47N variant (also known as c.140G>A), located in coding exon 1 of the GEN1 gene, results from a G to A substitution at nucleotide position 140. The serine at codon 47 is replaced by asparagine, an amino acid with highly similar properties. This amino acid position is conserved. In addition, this alteration is predicted to be tolerated by in silico analysis. Based on the available evidence, the clinical significance of this variant remains unclear.

NM_001130009.3(GEN1):c.140G>A (p.Ser47Asn)

Gene: GEN1 (GEN1 structure-specific endonuclease; plus strand). Cytogenetic location: 2p24.2.
Variant type: single nucleotide variant.
Coding change: c.140G>A on transcript NM_001130009.3 (MANE Select); coding-DNA position 140, G replaced by A.
Protein change: p.Ser47Asn; replaces serine 47 with asparagine.
Molecular consequence: missense variant.
Genome position (GRCh38, 1-based): chr2:17,760,083, G>A. VCF-style: chr2-17760083-G-A. GRCh37 (hg19) VCF-style: chr2-17941350-G-A.
Other names: c.140G>A, p.Ser47Asn (NM_182625.5); short protein forms S47N.
Identifiers: ClinVar variation 4671517 (VCV004671517.1).